The following is an entry in ClinVar:

NM_020320.5(RARS2):c.536-15G>A

Gene: RARS2 (arginyl-tRNA synthetase 2, mitochondrial; minus strand). Cytogenetic location: 6q15.
Variant type: single nucleotide variant.
Coding change: c.536-15G>A on transcript NM_020320.5 (MANE Select); 15 bases into the intron before coding-DNA position 536, G replaced by A.
Molecular consequence: intron variant.
Genome position (GRCh38, 1-based): chr6:87,542,009, C>T on the plus strand (G>A on the coding strand, the complement: RARS2 is on the minus strand). VCF-style: chr6-87542009-C-T. GRCh37 (hg19) VCF-style: chr6-88251727-C-T.
Other names: c.536-15G>A (NM_001350505.2); c.11-15G>A (NM_001350509.2, NM_001318785.2, NM_001350506.2 and 4 more transcripts).
Identifiers: ClinVar variation 4893392 (VCV004893392.3).

ClinVar aggregate classification (germline): Uncertain significance. Review status: criteria provided, multiple submitters, no conflicts (2 of 4 stars). 2 submissions from 2 submitters: Uncertain significance (2). Last evaluated 2024-05-28.

Conditions:
Pontocerebellar hypoplasia type 6 (PCH6). Identifiers: Orphanet 166073, MedGen C1969084, MONDO:0012683, OMIM 611523.

gnomAD v4.1: 26 of 1,602,396 alleles (0.0016%); highest among the groups gnomAD compares: African/African-American, 0.02%; no homozygotes.

Submissions (2):

Blueprint Genetics
Classification: Uncertain significance. Last evaluated: 2024-05-28. Review status: criteria provided, single submitter. Criteria: ACMG Guidelines, 2015. Collection method: clinical testing. Allele origin: germline.

Juno Genomics, Hangzhou Juno Genomics, Inc
Classification: Uncertain significance for Pontocerebellar hypoplasia type 6. Review status: criteria provided, single submitter. Criteria: ACMG Guidelines, 2015. Collection method: clinical testing. Allele origin: germline.
Comment: Absent from controls (or at extremely low frequency if recessive) in Genome Aggregation Database.;Multiple lines of computational evidence support a deleterious effect on the gene or gene product.